The following is an entry in ClinVar:

ClinVar aggregate classification (germline): Uncertain significance. Review status: criteria provided, multiple submitters, no conflicts (2 of 4 stars). 2 submissions from 2 submitters: Uncertain significance (2). Last evaluated 2023-12-05.

Conditions:
Cardiomyopathy (CMYO). Also called: Cardiomyopathies. Identifiers: Orphanet 167848, MedGen C0878544, MONDO:0004994, HP:0001638. Inheritance: Various modes of inheritance.
Hypertrophic cardiomyopathy. Also called: HYPERTROPHIC MYOCARDIOPATHY. Identifiers: Orphanet 217569, MedGen C0007194, MeSH D002312, MONDO:0005045, HP:0001639.

Allele frequency attached by ClinVar (database versions not stated): TOPMed below 0.00001.
gnomAD v4.1: 5 of 1,613,968 alleles (0.00031%); highest among the groups gnomAD compares: South Asian, 0.0022%; no homozygotes.

Submissions (2):

Color Diagnostics, LLC DBA Color Health
Classification: Uncertain significance for Cardiomyopathy. Last evaluated: 2023-12-05. Review status: criteria provided, single submitter. Criteria: ACMG Guidelines, 2015. Collection method: clinical testing. Allele origin: germline.
Comment: This missense variant replaces glutamic acid with lysine at codon 739 of the MYBPC3 protein. Computational prediction tools indicate that this variant's impact on protein structure and function is inconclusive. To our knowledge, functional studies have not been reported for this variant. This variant has been reported in one individual affected with hypertrophic cardiomyopathy (PMID: 29497013). This individual and an affected sibling were compound heterozygous for this variant and a pathogenic frameshift variant in MYBPC3. This variant has also been reported in one individual affected with dilated cardiomyopathy (PMID: 31983221). This variant has been identified in 1/249038 chromosomes in the general population by the Genome Aggregation Database (gnomAD). The available evidence is insufficient to determine the role of this variant in disease conclusively. Therefore, this variant is classified as a Variant of Uncertain Significance.

Labcorp Genetics (formerly Invitae), Labcorp
Classification: Uncertain significance for Hypertrophic cardiomyopathy. Last evaluated: 2023-11-08. Review status: criteria provided, single submitter. Criteria: Invitae Variant Classification Sherloc (09022015). Collection method: clinical testing. Allele origin: germline.
Comment: This sequence change replaces glutamic acid, which is acidic and polar, with lysine, which is basic and polar, at codon 739 of the MYBPC3 protein (p.Glu739Lys). This variant is not present in population databases (gnomAD no frequency). This missense change has been observed in individual(s) with dilated cardiomyopathy (PMID: 31983221). An algorithm developed to predict the effect of missense changes on protein structure and function (PolyPhen-2) suggests that this variant is likely to be disruptive. In summary, the available evidence is currently insufficient to determine the role of this variant in disease. Therefore, it has been classified as a Variant of Uncertain Significance.

Literature cited by the submitters: PubMed 29497013 (cited by Color Diagnostics, LLC DBA Color Health); PubMed 31983221 (cited by Color Diagnostics, LLC DBA Color Health and Labcorp Genetics (formerly Invitae), Labcorp).

NM_000256.3(MYBPC3):c.2215G>A (p.Glu739Lys)

Gene: MYBPC3 (myosin binding protein C3; minus strand). Cytogenetic location: 11p11.2.
Variant type: single nucleotide variant.
Coding change: c.2215G>A on transcript NM_000256.3 (MANE Select); coding-DNA position 2215, G replaced by A.
Protein change: p.Glu739Lys; replaces glutamic acid 739 with lysine.
Molecular consequence: missense variant.
Genome position (GRCh38, 1-based): chr11:47,338,613, C>T on the plus strand (G>A on the coding strand, the complement: MYBPC3 is on the minus strand). VCF-style: chr11-47338613-C-T. GRCh37 (hg19) VCF-style: chr11-47360164-C-T.
Other names: short protein forms E739K.
Identifiers: ClinVar variation 2773721 (VCV002773721.3), dbSNP rs1565625856, ClinGen allele CA380320408.
Genomic context (GRCh38, chr11:47,338,613, plus strand): 5'-CGCCCACAGGGTTCTTCACTGTGACCGTGTAGACGCCCTCATCTTCCTTCTCTGCCCCCT[C>T]GACCGTGAAGATGCTGCGGTCCTTGGTGGTCTCCACGCGGACCCGGCCCTCGGTCTCACA-3'
Protein context (NP_000247.2, residues 729-749): TTKDRSIFTV[Glu739Lys]GAEKEDEGVY